The following is an entry in ClinVar:

NM_001370298.3(FGD4):c.1685AAG[1] (p.Glu563del)

Gene: FGD4 (FYVE, RhoGEF and PH domain containing 4; plus strand). Cytogenetic location: 12p11.21.
Variant type: Microsatellite.
Coding change: c.1685AAG[1] on transcript NM_001370298.3 (MANE Select); one copy of the 3-base unit AAG starting at c.1685; the reference has two copies in a row; one copy, 3 bases deleted; also written c.1688_1690del.
Protein change: p.Glu563del; deletes glutamic acid 563.
Genome position (GRCh38, 1-based): chr12:32,611,222-32,611,224, AAG deleted; deleting any 3 consecutive bases within chr12:32,611,219-32,611,224 gives the same sequence; the position shown is the placement nearest the transcript's 3' end. VCF-style (leftmost placement, unchanged base first): chr12-32611218-AAAG-A. GRCh37 (hg19) VCF-style: chr12-32764152-AAAG-A.
Other names: c.1688_1690del (NM_001370298.3); c.1529AAG[1], p.Glu511del (NM_001304481.2); c.530AAG[1], p.Glu178del (NM_001304483.2); c.242AAG[1], p.Glu82del (NM_001304484.2); c.995AAG[1], p.Glu333del (NM_001330373.2, NM_001330374.2, NM_001384130.1); c.722AAG[1], p.Glu242del (NM_001370297.1); c.1685AAG[1], p.Glu563del (NM_001384126.1); c.1274AAG[1], p.Glu426del (NM_001384127.1, NM_001384128.1, NM_001385118.1 and 1 more transcripts); short protein forms E178del, E242del, E333del, E426del, E511del, E563del, E82del.
Identifiers: ClinVar variation 3362338 (VCV003362338.3).

ClinVar aggregate classification (germline): Uncertain significance (1 of 4 stars; one submission).

Conditions:
Charcot-Marie-Tooth disease type 4H (CMT4H). Also called: CHARCOT-MARIE-TOOTH DISEASE, AUTOSOMAL RECESSIVE, TYPE 4H; CHARCOT-MARIE-TOOTH DISEASE, DEMYELINATING, AUTOSOMAL RECESSIVE, TYPE 4H; CHARCOT-MARIE-TOOTH NEUROPATHY, TYPE 4H; CHARCOT-MARIE-TOOTH DISEASE, DEMYELINATING, TYPE 4H. Identifiers: Orphanet 99954, MedGen C1836336, MONDO:0012250, OMIM 609311.

Submission:

Neuberg Centre For Genomic Medicine, NCGM
Classification: Uncertain significance for Charcot-Marie-Tooth disease type 4H. Last evaluated: 2023-05-20. Review status: criteria provided, single submitter. Criteria: ACMG Guidelines, 2015. Collection method: clinical testing. Allele origin: germline. Inheritance: Autosomal recessive inheritance. Affected: yes.
Comment: The observed inframe deletion variant c.1688_1690del(p.Glu563del) in FGD4 gene has not been reported previously as a pathogenic variant nor as a benign variant, to our knowledge. The c.1688_1690del variant is absent in gnomAD Exomes. This p.Glu563del causes deletion of amino acid Glutamic Acid at position 563. For these reasons, this variant has been classified as Uncertain Significance.